The following is an entry in ClinVar:

ClinVar aggregate classification (germline): Uncertain significance (1 of 4 stars; one submission).

Conditions:
Primary familial hypertrophic cardiomyopathy (HCM). Identifiers: Orphanet 99739, MedGen C0949658, MeSH D024741, MONDO:0024573. Inheritance: Various modes of inheritance.

Submission:

Labcorp Genetics (formerly Invitae), Labcorp
Classification: Uncertain significance for Primary familial hypertrophic cardiomyopathy. Last evaluated: 2022-04-11. Review status: criteria provided, single submitter. Criteria: Invitae Variant Classification Sherloc (09022015). Collection method: clinical testing. Allele origin: germline.
Comment: In summary, the available evidence is currently insufficient to determine the role of this variant in disease. Therefore, it has been classified as a Variant of Uncertain Significance. Algorithms developed to predict the effect of missense changes on protein structure and function are either unavailable or do not agree on the potential impact of this missense change (SIFT: "Deleterious"; PolyPhen-2: "Possibly Damaging"; Align-GVGD: "Class C15"). This variant has not been reported in the literature in individuals affected with ILK-related conditions. This variant is not present in population databases (gnomAD no frequency). This sequence change replaces aspartic acid, which is acidic and polar, with asparagine, which is neutral and polar, at codon 234 of the ILK protein (p.Asp234Asn).

NM_004517.4(ILK):c.700G>A (p.Asp234Asn)

Genes: ILK (integrin linked kinase; plus strand), TAF10 (TATA-box binding protein associated factor 10; minus strand). Cytogenetic location: 11p15.4.
Variant type: single nucleotide variant.
Coding change: c.700G>A on transcript NM_004517.4 (MANE Select); coding-DNA position 700, G replaced by A.
Protein change: p.Asp234Asn; replaces aspartic acid 234 with asparagine.
Molecular consequence: missense variant. On other transcripts: 3 prime UTR variant (1).
Genome position (GRCh38, 1-based): chr11:6,609,380, G>A. VCF-style: chr11-6609380-G-A. GRCh37 (hg19) VCF-style: chr11-6630611-G-A.
Other names: c.700G>A, p.Asp234Asn (NM_001014794.3, NM_001014795.3); c.517G>A, p.Asp173Asn (NM_001278441.2); c.298G>A, p.Asp100Asn (NM_001278442.2); c.*1542C>T (NM_006284.4); short protein forms D100N, D173N, D234N.
Identifiers: ClinVar variation 2124502 (VCV002124502.4), dbSNP rs1855271398, ClinGen allele CA379461792.
Genomic context (GRCh38, chr11:6,609,380, plus strand): 5'-GGCAATGACATTGTCGTGAAGGTGCTGAAGGTTCGAGACTGGAGTACAAGGAAGAGCAGG[G>A]ACTTCAATGAAGAGTGTCCCCGGCTCAGGTAGTGCAAGGCGTAACCTGGAAGCTGCTAGT-3'
Protein context (NP_004508.1, residues 224-244): VRDWSTRKSR[Asp234Asn]FNEECPRLRI